The following is an entry in ClinVar:

ClinVar aggregate classification (germline): Uncertain significance (1 of 4 stars; one submission).

Allele frequency attached by ClinVar (database versions not stated): gnomAD exomes 0.00001 and 0.00002; ExAC 0.00005.
gnomAD v4.1: 16 of 1,614,162 alleles (0.00099%); highest among the groups gnomAD compares: Non-Finnish European, 0.0011%; no homozygotes.

Submission:

GeneDx
Classification: Uncertain significance. Last evaluated: 2018-12-04. Review status: criteria provided, single submitter. Criteria: GeneDx Variant Classification Process June 2021. Collection method: clinical testing. Allele origin: germline. Affected: yes.
Comment: Has not been previously published as pathogenic or benign to our knowledge; In silico analysis, which includes protein predictors and evolutionary conservation, supports a deleterious effect

NM_006514.4(SCN10A):c.3929G>A (p.Cys1310Tyr)

Gene: SCN10A (sodium voltage-gated channel alpha subunit 10; minus strand). Cytogenetic location: 3p22.2.
Variant type: single nucleotide variant.
Coding change: c.3929G>A on transcript NM_006514.4 (MANE Select); coding-DNA position 3929, G replaced by A.
Protein change: p.Cys1310Tyr; replaces cysteine 1310 with tyrosine.
Molecular consequence: missense variant.
Genome position (GRCh38, 1-based): chr3:38,712,321, C>T on the plus strand (G>A on the coding strand, the complement: SCN10A is on the minus strand). VCF-style: chr3-38712321-C-T. GRCh37 (hg19) VCF-style: chr3-38753812-C-T.
Other names: c.3926G>A, p.Cys1309Tyr (NM_001293306.2); c.3635G>A, p.Cys1212Tyr (NM_001293307.2); short protein forms C1212Y, C1309Y, C1310Y.
Identifiers: ClinVar variation 1304381 (VCV001304381.2), dbSNP rs764055874, ClinGen allele CA2320070.
Genomic context (GRCh38, chr3:38,712,321, plus strand): 5'-GACTTGTTATTCACAATCGACAAAGGTACAAGGGAAAACTCTCCATCGGTATAGTTGATG[C>T]ACCTCCAAAACTTCCCTGCGAAGAGGTTCACACCCATGATGCTGAAGATGAGCCAGAAGA-3'
Protein context (NP_006505.4, residues 1300-1320): VNLFAGKFWR[Cys1310Tyr]INYTDGEFSL